The following is an entry in ClinVar:

NM_006258.4(PRKG1):c.1318T>C (p.Tyr440His)

Gene: PRKG1 (protein kinase cGMP-dependent 1; plus strand). Cytogenetic location: 10q21.1.
Variant type: single nucleotide variant.
Coding change: c.1318T>C on transcript NM_006258.4 (MANE Select); coding-DNA position 1318, T replaced by C.
Protein change: p.Tyr440His; replaces tyrosine 440 with histidine.
Molecular consequence: missense variant.
Genome position (GRCh38, 1-based): chr10:52,272,396, T>C. VCF-style: chr10-52272396-T-C. GRCh37 (hg19) VCF-style: chr10-54032156-T-C.
Other names: c.1273T>C, p.Tyr425His (NM_001098512.3); c.109T>C, p.Tyr37His (NM_001374781.1); short protein forms Y440H, Y37H, Y425H.
Identifiers: ClinVar variation 1488825 (VCV001488825.8), dbSNP rs1589750418, ClinGen allele CA376535512.

ClinVar aggregate classification (germline): Uncertain significance (1 of 4 stars; one submission).

Conditions:
Aortic aneurysm, familial thoracic 8 (AAT8). Identifiers: MedGen C3809513, MONDO:0014187, OMIM 615436.

Submission:

Labcorp Genetics (formerly Invitae), Labcorp
Classification: Uncertain significance for Aortic aneurysm, familial thoracic 8. Last evaluated: 2024-02-17. Review status: criteria provided, single submitter. Criteria: Invitae Variant Classification Sherloc (09022015). Collection method: clinical testing. Allele origin: germline.
Comment: This sequence change replaces tyrosine, which is neutral and polar, with histidine, which is basic and polar, at codon 440 of the PRKG1 protein (p.Tyr440His). This variant is not present in population databases (gnomAD no frequency). This variant has not been reported in the literature in individuals affected with PRKG1-related conditions. ClinVar contains an entry for this variant (Variation ID: 1488825). An algorithm developed to predict the effect of missense changes on protein structure and function (PolyPhen-2) suggests that this variant is likely to be tolerated. In summary, the available evidence is currently insufficient to determine the role of this variant in disease. Therefore, it has been classified as a Variant of Uncertain Significance.